The following is an entry in ClinVar:

NM_001006658.3(CR2):c.590G>C (p.Cys197Ser)

Gene: CR2 (complement C3d receptor 2; plus strand). Cytogenetic location: 1q32.2.
Variant type: single nucleotide variant.
Coding change: c.590G>C on transcript NM_001006658.3 (MANE Select); coding-DNA position 590, G replaced by C.
Protein change: p.Cys197Ser; replaces cysteine 197 with serine.
Molecular consequence: missense variant.
Genome position (GRCh38, 1-based): chr1:207,468,671, G>C. VCF-style: chr1-207468671-G-C. GRCh37 (hg19) VCF-style: chr1-207642016-G-C.
Other names: c.590G>C, p.Cys197Ser (NM_001877.5); short protein forms C197S.
Identifiers: ClinVar variation 3061908 (VCV003061908.1), dbSNP rs1658174717, ClinGen allele CA344526150.
Genomic context (GRCh38, chr1:207,468,671, plus strand): 5'-TGTCTGTGACTTACAGCTGTGAATCTGGTTACTTGCTTGTTGGAGAAAAGATCATTAACT[G>C]TTTGTCTTCGGGAAAATGGAGTGCTGTCCCCCCCACATGTGAAGGTACCCTAAATTTACA-3'
Protein context (NP_001006659.1, residues 187-207): YLLVGEKIIN[Cys197Ser]LSSGKWSAVP

ClinVar aggregate classification (germline): Likely pathogenic (1 of 4 stars; one submission).

Conditions:
Immunodeficiency, common variable, 7. Identifiers: Orphanet 1572, Orphanet 696894, MedGen C3542922, MONDO:0013862, OMIM 614699.

Allele frequency attached by ClinVar (database versions not stated): gnomAD exomes below 0.00001.

Submission:

MVZ Medizinische Genetik Mainz
Classification: Likely pathogenic for Immunodeficiency, common variable, 7. Last evaluated: 2023-08-01. Review status: criteria provided, single submitter. Criteria: UK Practice Guidelines For Variant Classification V4 01 2020. Collection method: clinical testing. Allele origin: germline. Inheritance: Autosomal recessive inheritance. Affected: yes. Observed: 1 variant allele.
Comment: PM1_STR,PM3,PP3_MOD,PM2_SUP